The following is an entry in ClinVar:

NM_005027.4(PIK3R2):c.313C>T (p.Pro105Ser)

Gene: PIK3R2 (phosphoinositide-3-kinase regulatory subunit 2; plus strand). Cytogenetic location: 19p13.11.
Variant type: single nucleotide variant.
Coding change: c.313C>T on transcript NM_005027.4 (MANE Select); coding-DNA position 313, C replaced by T.
Protein change: p.Pro105Ser; replaces proline 105 with serine.
Molecular consequence: missense variant. On other transcripts: non-coding transcript variant (2).
Genome position (GRCh38, 1-based): chr19:18,156,192, C>T. VCF-style: chr19-18156192-C-T. GRCh37 (hg19) VCF-style: chr19-18267002-C-T.
Other names: short protein forms P105S.
Identifiers: ClinVar variation 1305000 (VCV001305000.2), dbSNP rs776676490, ClinGen allele CA9306689.

ClinVar aggregate classification (germline): Uncertain significance (1 of 4 stars; one submission).

Allele frequency attached by ClinVar (database versions not stated): TOPMed below 0.00001; gnomAD 0.00001.

Submission:

GeneDx
Classification: Uncertain significance. Last evaluated: 2019-04-10. Review status: criteria provided, single submitter. Criteria: GeneDx Variant Classification Process June 2021. Collection method: clinical testing. Allele origin: germline. Affected: yes.
Comment: Not observed in large population cohorts (Lek et al., 2016); In silico analysis, which includes protein predictors and evolutionary conservation, supports that this variant does not alter protein structure/function; Has not been previously published as pathogenic or benign to our knowledge